The following is an entry in ClinVar:

ClinVar aggregate classification (germline): Likely benign. Review status: criteria provided, multiple submitters, no conflicts (2 of 4 stars). 5 submissions from 5 submitters: Likely benign (5). Last evaluated 2026-09-24.

Conditions:
CHD7-related disorder. Also called: CHD7-related condition.
Inborn genetic diseases. Identifiers: MedGen C0950123, MeSH D030342.
CHARGE syndrome (CHARGE). Also called: Hittner Hirsch Kreh syndrome; CHARGE ASSOCIATION--COLOBOMA, HEART ANOMALY, CHOANAL ATRESIA, RETARDATION, GENITAL AND EAR ANOMALIES; Coloboma, heart anomaly, choanal atresia, retardation, genital and ear anomalies; CHARGE association; Hall-Hittner syndrome. Identifiers: Orphanet 138, MedGen C0265354, MONDO:0008965.

Allele frequency attached by ClinVar (database versions not stated): TOPMed 0.00010; gnomAD 0.00011; gnomAD exomes 0.00014 and 0.00015; ESP Exome Variant Server 0.00016; ExAC 0.00024.
gnomAD v4.1: 218 of 1,613,750 alleles (0.014%); highest among the groups gnomAD compares: Non-Finnish European, 0.017%; no homozygotes.

Submissions (5):

PreventionGenetics, part of Exact Sciences
Classification: Likely benign for CHD7-related condition. Last evaluated: 2026-09-24. Review status: criteria provided, single submitter. Criteria: ACMG Guidelines, 2015. Collection method: clinical testing. Allele origin: germline.
Comment: This variant is classified as likely benign based on ACMG/AMP sequence variant interpretation guidelines (Richards et al. 2015 PMID: 25741868, with internal and published modifications).

Labcorp Genetics (formerly Invitae), Labcorp
Classification: Likely benign for CHARGE syndrome. Last evaluated: 2026-02-01. Review status: criteria provided, single submitter. Criteria: Invitae Variant Classification Sherloc (09022015). Collection method: clinical testing. Allele origin: germline.

CeGaT Center for Human Genetics Tuebingen
Classification: Likely benign. Last evaluated: 2026-01-01. Review status: criteria provided, single submitter. Criteria: CeGaT Center For Human Genetics Tuebingen Variant Classification Criteria Version 2. Collection method: clinical testing. Allele origin: germline. Affected: yes. Observed: 2 variant alleles.
Comment: CHD7: BP4

Blueprint Genetics
Classification: Likely benign. Last evaluated: 2024-11-20. Review status: criteria provided, single submitter. Criteria: ACMG Guidelines, 2015. Collection method: clinical testing. Allele origin: germline.

Ambry Genetics
Classification: Likely benign for Inborn genetic diseases. Last evaluated: 2018-07-10. Review status: criteria provided, single submitter. Criteria: Ambry Variant Classification Scheme 2023. Collection method: clinical testing. Allele origin: germline.

NM_017780.4(CHD7):c.8478C>T (p.Asn2826=)

Gene: CHD7 (chromodomain helicase DNA binding protein 7; plus strand). Cytogenetic location: 8q12.2.
Variant type: single nucleotide variant.
Coding change: c.8478C>T on transcript NM_017780.4 (MANE Select); coding-DNA position 8478, C replaced by T.
Protein change: p.Asn2826=; no amino-acid change (asparagine 2826 retained).
Molecular consequence: synonymous variant.
Genome position (GRCh38, 1-based): chr8:60,865,417, C>T. VCF-style: chr8-60865417-C-T. GRCh37 (hg19) VCF-style: chr8-61777976-C-T.
Other names: c.2331C>T, p.Asn777= (NM_001316690.1).
Identifiers: ClinVar variation 459566 (VCV000459566.22), dbSNP rs202076455, ClinGen allele CA4761022.
Genomic context (GRCh38, chr8:60,865,417, plus strand): 5'-GCCCAACGTGTTTGGCTTGGGCGGGCTGTTGAATAACCCTCTGTCAGCTGCTACTGGAAA[C>T]ACCACTACTGCTTCTAGTCAAGGAGAACCGGAAGACAGCACTTCAAAAGGAGAGGAGAAA-3'
Protein context (NP_060250.2, residues 2816-2836): LNNPLSAATG[Asn2826=]TTTASSQGEP